The following is an entry in ClinVar:

ClinVar aggregate classification (germline): Uncertain significance (1 of 4 stars; one submission).

Conditions:
Anophthalmia-microphthalmia syndrome. Also called: Anophthalmia - microphthalmia; Anophthalmia/Microphthalmia. Identifiers: Orphanet 98555, MedGen C5680330, MONDO:0020147.

Submission:

Labcorp Genetics (formerly Invitae), Labcorp
Classification: Uncertain significance for Anophthalmia-microphthalmia syndrome. Last evaluated: 2025-07-09. Review status: criteria provided, single submitter. Criteria: Invitae Variant Classification Sherloc (09022015). Collection method: clinical testing. Allele origin: germline.
Comment: This sequence change replaces proline, which is neutral and non-polar, with serine, which is neutral and polar, at codon 134 of the OTX2 protein (p.Pro134Ser). This variant is present in population databases (no rsID available, gnomAD 0.003%). This variant has not been reported in the literature in individuals affected with OTX2-related conditions. An algorithm developed to predict the effect of missense changes on protein structure and function outputs the following: PolyPhen-2: "Benign". The serine amino acid residue is found in multiple mammalian species, which suggests that this missense change does not adversely affect protein function. This variant disrupts the p.Pro134 amino acid residue in OTX2. Other variant(s) that disrupt this residue have been observed in individuals with OTX2-related conditions (PMID: 15846561, 22715480), which suggests that this may be a clinically significant amino acid residue. In summary, the available evidence is currently insufficient to determine the role of this variant in disease. Therefore, it has been classified as a Variant of Uncertain Significance.

Literature cited by the submitters: PubMed 15846561; PubMed 22715480.

NM_021728.4(OTX2):c.424C>T (p.Pro142Ser)

Gene: OTX2 (orthodenticle homeobox 2; minus strand). Cytogenetic location: 14q22.3.
Variant type: single nucleotide variant.
Coding change: c.424C>T on transcript NM_021728.4 (MANE Select); coding-DNA position 424, C replaced by T.
Protein change: p.Pro142Ser; replaces proline 142 with serine.
Molecular consequence: missense variant. On other transcripts: non-coding transcript variant (2).
Genome position (GRCh38, 1-based): chr14:56,802,205, G>A on the plus strand (C>T on the coding strand, the complement: OTX2 is on the minus strand). VCF-style: chr14-56802205-G-A. GRCh37 (hg19) VCF-style: chr14-57268923-G-A.
Other names: c.400C>T, p.Pro134Ser (NM_001270523.2, NM_001270524.2, NM_172337.3); c.424C>T, p.Pro142Ser (NM_001270525.2); short protein forms P134S, P142S.
Identifiers: ClinVar variation 4692923 (VCV004692923.1).